The following is an entry in ClinVar:

NM_020778.5(ALPK3):c.5092G>A (p.Gly1698Ser)

Gene: ALPK3 (alpha kinase 3; plus strand). Cytogenetic location: 15q25.3.
Variant type: single nucleotide variant.
Coding change: c.5092G>A on transcript NM_020778.5 (MANE Select); coding-DNA position 5092, G replaced by A.
Protein change: p.Gly1698Ser; replaces glycine 1698 with serine.
Molecular consequence: missense variant.
Genome position (GRCh38, 1-based): chr15:84,868,430, G>A. VCF-style: chr15-84868430-G-A. GRCh37 (hg19) VCF-style: chr15-85411661-G-A.
Other names: short protein forms G1698S.
Identifiers: ClinVar variation 5036307 (VCV005036307.1).

ClinVar aggregate classification (germline): Uncertain significance (1 of 4 stars; one submission).

Conditions:
Cardiovascular phenotype. Identifiers: MedGen CN230736.

gnomAD v4.1: 2 of 1,610,306 alleles (0.00012%); highest among the groups gnomAD compares: Non-Finnish European, 0.00017%; no homozygotes.

Submission:

Ambry Genetics
Classification: Uncertain significance for Cardiovascular phenotype. Last evaluated: 2026-09-13. Review status: criteria provided, single submitter. Criteria: Ambry Variant Classification Scheme 2023. Collection method: clinical testing. Allele origin: germline.
Comment: The p.G1900S variant (also known as c.5698G>A), located in coding exon 14 of the ALPK3 gene, results from a G to A substitution at nucleotide position 5698. The glycine at codon 1900 is replaced by serine, an amino acid with similar properties. This amino acid position is conserved. In addition, this alteration is predicted to be tolerated by in silico analysis. Based on the available evidence, the clinical significance of this variant remains unclear.